The following is an entry in ClinVar:

NM_002049.4(GATA1):c.623G>C (p.Gly208Ala)

Gene: GATA1 (GATA binding protein 1; plus strand). Cytogenetic location: Xp11.23.
Variant type: single nucleotide variant.
Coding change: c.623G>C on transcript NM_002049.4 (MANE Select); coding-DNA position 623, G replaced by C.
Protein change: p.Gly208Ala; replaces glycine 208 with alanine.
Molecular consequence: missense variant.
Genome position (GRCh38, 1-based): chrX:48,792,347, G>C. VCF-style: chrX-48792347-G-C. GRCh37 (hg19) VCF-style: chrX-48650754-G-C.
Other names: short protein forms G208A.
Identifiers: ClinVar variation 2953562 (VCV002953562.3), dbSNP rs2062678007, ClinGen allele CA412870518.
Genomic context (GRCh38, chrX:48,792,347, plus strand): 5'-GAGCCTAGCTCCCTCTTCTCCTCTCCACCCCACCAGAGGCCAGGGAGTGTGTGAACTGCG[G>C]AGCAACAGCCACTCCACTGTGGCGGAGGGACAGGACAGGCCACTACCTATGCAACGCCTG-3'
Protein context (NP_002040.1, residues 198-218): PCEARECVNC[Gly208Ala]ATATPLWRRD

ClinVar aggregate classification (germline): Uncertain significance (1 of 4 stars; one submission).

Conditions:
Diamond-Blackfan anemia. Also called: Blackfan Diamond syndrome; Aregenerative anemia chronic congenital; Red cell aplasia, pure hereditary; Congenital hypoplastic anemia; Aase syndrome. Identifiers: Orphanet 124, MedGen C1260899, MeSH D029503, MONDO:0015253, HP:0004810.
GATA binding protein 1 related thrombocytopenia with dyserythropoiesis. Also called: GATA1-Related Cytopenia; GATA1-Related X-Linked Cytopenia. Identifiers: MedGen C1845837, MONDO:0100089.

Submission:

Labcorp Genetics (formerly Invitae), Labcorp
Classification: Uncertain significance for GATA binding protein 1 related thrombocytopenia with dyserythropoiesis; Diamond-Blackfan anemia. Last evaluated: 2023-11-04. Review status: criteria provided, single submitter. Criteria: Invitae Variant Classification Sherloc (09022015). Collection method: clinical testing. Allele origin: germline.
Comment: This sequence change replaces glycine, which is neutral and non-polar, with alanine, which is neutral and non-polar, at codon 208 of the GATA1 protein (p.Gly208Ala). This variant is not present in population databases (gnomAD no frequency). This variant has not been reported in the literature in individuals affected with GATA1-related conditions. Advanced modeling of protein sequence and biophysical properties (such as structural, functional, and spatial information, amino acid conservation, physicochemical variation, residue mobility, and thermodynamic stability) performed at Invitae indicates that this missense variant is not expected to disrupt GATA1 protein function with a negative predictive value of 80%. In summary, the available evidence is currently insufficient to determine the role of this variant in disease. Therefore, it has been classified as a Variant of Uncertain Significance.